The following is an entry in ClinVar:

NM_012262.4(HS2ST1):c.993C>T (p.Ala331=)

Gene: HS2ST1 (heparan sulfate 2-O-sulfotransferase 1; plus strand). Cytogenetic location: 1p22.3.
Variant type: single nucleotide variant.
Coding change: c.993C>T on transcript NM_012262.4 (MANE Select); coding-DNA position 993, C replaced by T.
Protein change: p.Ala331=; no amino-acid change (alanine 331 retained).
Molecular consequence: synonymous variant.
Genome position (GRCh38, 1-based): chr1:87,104,618, C>T. VCF-style: chr1-87104618-C-T. GRCh37 (hg19) VCF-style: chr1-87570301-C-T.
Identifiers: ClinVar variation 2638913 (VCV002638913.24), dbSNP rs746757317, ClinGen allele CA936931.

ClinVar aggregate classification (germline): Likely benign (1 of 4 stars; one submission).

Allele frequency attached by ClinVar (database versions not stated): ExAC 0.00002; gnomAD 0.00003.
gnomAD v4.1: 40 of 1,613,444 alleles (0.0025%); highest among the groups gnomAD compares: South Asian, 0.0088%; no homozygotes.

Submission:

CeGaT Center for Human Genetics Tuebingen
Classification: Likely benign. Last evaluated: 2023-03-01. Review status: criteria provided, single submitter. Criteria: CeGaT Center For Human Genetics Tuebingen Variant Classification Criteria Version 2. Collection method: clinical testing. Allele origin: germline. Affected: yes. Observed: 1 variant allele.
Comment: HS2ST1: BP4, BP7